The following is an entry in ClinVar:

ClinVar aggregate classification (germline): Uncertain significance. Review status: criteria provided, multiple submitters, no conflicts (2 of 4 stars). 9 submissions from 9 submitters: Uncertain significance (9). Last evaluated 2026-09-08.

Conditions:
GLA-related disorder. Also called: GLA-related condition.
Cardiovascular phenotype. Identifiers: MedGen CN230736.
Fabry disease. Also called: Fabry's disease; Angiokeratoma corporis diffusum; ALPHA-GALACTOSIDASE A DEFICIENCY; ANDERSON-FABRY DISEASE; CERAMIDE TRIHEXOSIDASE DEFICIENCY; GLA DEFICIENCY. Identifiers: Orphanet 324, MedGen C0002986, MONDO:0010526, OMIM 301500, HP:0001071. Disease mechanism: loss of function, Fabry disease is due to inactivating mutations in the X-linked GLA gene resulting in deficiency of the enzyme Alpha Galactosidase-A..

Allele frequency attached by ClinVar (database versions not stated): TOPMed 0.00004; ESP Exome Variant Server 0.00009; ExAC 0.00001; gnomAD exomes 0.00001 and 0.00003.
gnomAD v4.1: 3 of 1,211,312 alleles (0.00025%); highest among the groups gnomAD compares: Admixed American, 0.0043%; no homozygotes.

Submissions (9):

Genomenon, Inc
Classification: Uncertain significance for Fabry disease. Last evaluated: 2026-09-08. Review status: criteria provided, single submitter. Criteria: Genomenon Sequence Variant Interpretation Standards - Updated. Collection method: curation. Allele origin: germline. Affected: yes.
Comment: GLA p.Lys140Thr (c.419A>C) is a missense variant that changes the amino acid at codon 140 from Lysine to Threonine. This variant has been observed in at least one proband with clinical features consistent with Fabry disease (PMID:35870541). Functional or patient cell studies have been reported (PMID:35870541;32802993;27657681). It is absent or not present at a significant frequency in gnomAD. In conclusion, we classify GLA p.Lys140Thr (c.419A>C) as a variant of uncertain significance.

PreventionGenetics, part of Exact Sciences
Classification: Uncertain significance for GLA-related condition. Last evaluated: 2026-02-27. Review status: criteria provided, single submitter. Criteria: ACMG Guidelines, 2015. Collection method: clinical testing. Allele origin: germline.
Comment: The GLA c.419A>C variant is predicted to result in the amino acid substitution p.Lys140Thr. This variant is reported in 0.011% of alleles in individuals of Latino descent in gnomAD, including one hemizygous individual. At this time, the clinical significance of this variant is uncertain due to the absence of conclusive functional and genetic evidence.

Labcorp Genetics (formerly Invitae), Labcorp
Classification: Uncertain significance for Fabry disease. Last evaluated: 2025-12-24. Review status: criteria provided, single submitter. Criteria: Invitae Variant Classification Sherloc (09022015). Collection method: clinical testing. Allele origin: germline.
Comment: This sequence change replaces lysine, which is basic and polar, with threonine, which is neutral and polar, at codon 140 of the GLA protein (p.Lys140Thr). This variant is present in population databases (rs150228150, gnomAD 0.01%). This missense change has been observed in individual(s) with Fabry disease (PMID: 35870541). ClinVar contains an entry for this variant (Variation ID: 222254). Invitae Evidence Modeling of protein sequence and biophysical properties (such as structural, functional, and spatial information, amino acid conservation, physicochemical variation, residue mobility, and thermodynamic stability) indicates that this missense variant is not expected to disrupt GLA protein function with a negative predictive value of 80%. Experimental studies have shown that this missense change affects GLA function (PMID: 27657681). In summary, the available evidence is currently insufficient to determine the role of this variant in disease. Therefore, it has been classified as a Variant of Uncertain Significance.

Ambry Genetics
Classification: Uncertain significance for Cardiovascular phenotype. Last evaluated: 2025-07-08. Review status: criteria provided, single submitter. Criteria: Ambry Variant Classification Scheme 2023. Collection method: clinical testing. Allele origin: germline.
Comment: The p.K140T variant (also known as c.419A>C), located in coding exon 3 of the GLA gene, results from an A to C substitution at nucleotide position 419. The lysine at codon 140 is replaced by threonine, an amino acid with similar properties. Based on data from gnomAD, the C allele has an overall frequency of <0.01% (5/183470) total alleles studied, with 1 hemizygote(s) observed. The highest observed frequency was 0.02% (1/4529) of Other alleles. This amino acid position is not well conserved in available vertebrate species. In addition, the in silico prediction for this alteration is inconclusive. Since supporting evidence is limited at this time, the clinical significance of this alteration remains unclear.

Color Diagnostics, LLC DBA Color Health
Classification: Uncertain significance for Fabry disease. Last evaluated: 2024-03-11. Review status: criteria provided, single submitter. Criteria: ACMG Guidelines, 2015. Collection method: clinical testing. Allele origin: germline.
Comment: This missense variant replaces lysine with threonine at codon 140 of the GLA protein. Computational prediction tools indicate that this variant has a neutral impact on protein structure and function. Functional studies using transfected HEK293 as well as HeLa cells have shown a significant reduction in GLA enzyme activity (PMID: 27657681, 35870541). This variant has been identified in 5/183470 chromosomes in the general population by the Genome Aggregation Database (gnomAD). The available evidence is insufficient to determine the role of this variant in disease conclusively. Therefore, this variant is classified as a Variant of Uncertain Significance.

All of Us Research Program, National Institutes of Health
Classification: Uncertain significance for Fabry disease. Last evaluated: 2023-09-18. Review status: criteria provided, single submitter. Criteria: ACMG Guidelines, 2015. Collection method: clinical testing. Allele origin: germline. Inheritance: X-linked inheritance. Observed: 1 variant allele, 1 heterozygote.
Comment: This missense variant replaces lysine with threonine at codon 140 of the GLA protein. Computational prediction suggests that this variant may not impact protein structure and function (internally defined REVEL score threshold <= 0.5, PMID: 27666373). Functional studies using transfected HEK293 as well as HeLa cells have shown a significant reduction in GLA enzyme activity (PMID: 27657681, 35870541). This variant has been identified in 5/183470 chromosomes in the general population by the Genome Aggregation Database (gnomAD). The available evidence is insufficient to determine the role of this variant in disease conclusively. Therefore, this variant is classified as a Variant of Uncertain Significance.

This study involves interpretation of variants in research participants for the purpose of population health screening. Participant phenotype was not available at the time of variant classification. Additional details can be found in publication PMID: 35346344, PMCID: PMC8962531

Fulgent Genetics
Classification: Uncertain significance for Fabry disease. Last evaluated: 2022-05-09. Review status: criteria provided, single submitter. Criteria: ACMG Guidelines, 2015. Collection method: clinical testing. Allele origin: unknown.

Genome-Nilou Lab
Classification: Uncertain significance for Fabry disease. Last evaluated: 2021-07-15. Review status: criteria provided, single submitter. Criteria: ACMG Guidelines, 2015. Collection method: clinical testing. Allele origin: germline. Affected: no.

GeneDx
Classification: Uncertain significance. Last evaluated: 2020-01-13. Review status: criteria provided, single submitter. Criteria: GeneDx Variant Classification Process June 2021. Collection method: clinical testing. Allele origin: germline. Affected: yes.
Comment: Has not been previously published as pathogenic or benign to our knowledge; In silico analysis, which includes protein predictors and evolutionary conservation, supports that this variant does not alter protein structure/function

Literature cited by the submitters: PubMed 35870541 (cited by 4 submitters); PubMed 32802993 (cited by Genomenon, Inc); PubMed 27657681 (cited by 4 submitters).

NM_000169.3(GLA):c.419A>C (p.Lys140Thr)

Genes: GLA (galactosidase alpha; minus strand), RPL36A-HNRNPH2 (RPL36A-HNRNPH2 readthrough; plus strand). Cytogenetic location: Xq22.1.
Variant type: single nucleotide variant.
Coding change: c.419A>C on transcript NM_000169.3 (MANE Select); coding-DNA position 419, A replaced by C.
Protein change: p.Lys140Thr; replaces lysine 140 with threonine.
Molecular consequence: missense variant. On other transcripts: non-coding transcript variant (3), intron variant (2).
Genome position (GRCh38, 1-based): chrX:101,401,760, T>G on the plus strand (A>C on the coding strand, the complement: GLA is on the minus strand). VCF-style: chrX-101401760-T-G. GRCh37 (hg19) VCF-style: chrX-100656748-T-G.
Other names: c.542A>C, p.Lys181Thr (NM_001406747.1, NM_001406749.1); c.419A>C, p.Lys140Thr (NM_001406748.1); c.300+6303T>G (NM_001199973.2); c.177+9938T>G (NM_001199974.2); short protein forms K140T, K181T.
Identifiers: ClinVar variation 222254 (VCV000222254.21), dbSNP rs150228150, ClinGen allele CA031002.